The following is an entry in ClinVar:

ClinVar aggregate classification (germline): Likely benign. Review status: criteria provided, multiple submitters, no conflicts (2 of 4 stars). 3 submissions from 3 submitters: Likely benign (3). Last evaluated 2024-02-22.

Conditions:
Cardiovascular phenotype. Identifiers: MedGen CN230736.
Autosomal recessive limb-girdle muscular dystrophy type 2J (LGMDR10). Also called: MUSCULAR DYSTROPHY, LIMB-GIRDLE, AUTOSOMAL RECESSIVE 10; Limb-girdle muscular dystrophy, type 2J. Identifiers: Orphanet 140922, MedGen C1837342, MONDO:0012127, OMIM 608807.
Dilated cardiomyopathy 1G (CMD1G). Identifiers: Orphanet 154, MedGen C1858763, MONDO:0011400, OMIM 604145.

Allele frequency attached by ClinVar (database versions not stated): gnomAD exomes below 0.00001; gnomAD 0.00001.
gnomAD v4.1: 2 of 1,613,990 alleles (0.00012%); highest among the groups gnomAD compares: Admixed American, 0.0017%; no homozygotes.

Submissions (3):

Ambry Genetics
Classification: Likely benign for Cardiovascular phenotype. Last evaluated: 2024-02-22. Review status: criteria provided, single submitter. Criteria: Ambry Variant Classification Scheme 2023. Collection method: clinical testing. Allele origin: germline.

Labcorp Genetics (formerly Invitae), Labcorp
Classification: Likely benign for Dilated cardiomyopathy 1G; Autosomal recessive limb-girdle muscular dystrophy type 2J. Last evaluated: 2024-02-18. Review status: criteria provided, single submitter. Criteria: Invitae Variant Classification Sherloc (09022015). Collection method: clinical testing. Allele origin: germline.

GeneDx
Classification: Likely benign. Last evaluated: 2017-08-31. Review status: criteria provided, single submitter. Criteria: GeneDx Variant Classification (06012015). Collection method: clinical testing. Allele origin: germline. Affected: yes.
Comment: This variant is considered likely benign or benign based on one or more of the following criteria: it is a conservative change, it occurs at a poorly conserved position in the protein, it is predicted to be benign by multiple in silico algorithms, and/or has population frequency not consistent with disease.

NM_001267550.2(TTN):c.8073C>T (p.Tyr2691=)

Gene: TTN (titin; minus strand). Cytogenetic location: 2q31.2.
Variant type: single nucleotide variant.
Coding change: c.8073C>T on transcript NM_001267550.2 (MANE Select); coding-DNA position 8073, C replaced by T.
Protein change: p.Tyr2691=; no amino-acid change (tyrosine 2691 retained).
Molecular consequence: synonymous variant.
Genome position (GRCh38, 1-based): chr2:178,771,254, G>A on the plus strand (C>T on the coding strand, the complement: TTN is on the minus strand). VCF-style: chr2-178771254-G-A. GRCh37 (hg19) VCF-style: chr2-179635981-G-A.
Other names: c.8073C>T, p.Tyr2691= (NM_001256850.1, NM_133378.4, NM_133379.5); c.7935C>T, p.Tyr2645= (NM_003319.4, NM_133432.3, NM_133437.4).
Identifiers: ClinVar variation 511928 (VCV000511928.10), dbSNP rs1204725250, ClinGen allele CA430125445.